The following is an entry in ClinVar:

ClinVar aggregate classification (germline): Uncertain significance. Review status: criteria provided, single submitter (1 of 4 stars). 2 submissions from 2 submitters: Uncertain significance (1). 1 of the submissions does not count toward it. Last evaluated 2022-07-05.

Conditions:
Retinitis pigmentosa 28 (RP28). Identifiers: Orphanet 791, MedGen C1419614, MONDO:0011630, OMIM 606068.

Allele frequency attached by ClinVar (database versions not stated): gnomAD exomes 0.00001 and 0.00002; TOPMed 0.00001.

Submissions (2):

Labcorp Genetics (formerly Invitae), Labcorp
Classification: Uncertain significance. Last evaluated: 2022-07-05. Review status: criteria provided, single submitter. Criteria: Invitae Variant Classification Sherloc (09022015). Collection method: clinical testing. Allele origin: germline.
Comment: This sequence change replaces proline, which is neutral and non-polar, with leucine, which is neutral and non-polar, at codon 239 of the FAM161A protein (p.Pro239Leu). This variant is present in population databases (no rsID available, gnomAD 0.01%). This variant has not been reported in the literature in individuals affected with FAM161A-related conditions. ClinVar contains an entry for this variant (Variation ID: 1063204). Algorithms developed to predict the effect of missense changes on protein structure and function (SIFT, PolyPhen-2, Align-GVGD) all suggest that this variant is likely to be disruptive. In summary, the available evidence is currently insufficient to determine the role of this variant in disease. Therefore, it has been classified as a Variant of Uncertain Significance.

Natera, Inc.
Classification: Uncertain significance for Retinitis pigmentosa type 28. Last evaluated: 2021-05-28. Review status: no assertion criteria provided. Collection method: clinical testing. Allele origin: germline. Not counted in ClinVar's aggregate classification.

NM_001201543.2(FAM161A):c.716C>T (p.Pro239Leu)

Gene: FAM161A (FAM161 centrosomal protein A; minus strand). Cytogenetic location: 2p15.
Variant type: single nucleotide variant.
Coding change: c.716C>T on transcript NM_001201543.2 (MANE Select); coding-DNA position 716, C replaced by T.
Protein change: p.Pro239Leu; replaces proline 239 with leucine.
Molecular consequence: missense variant. On other transcripts: non-coding transcript variant (1).
Genome position (GRCh38, 1-based): chr2:61,840,288, G>A on the plus strand (C>T on the coding strand, the complement: FAM161A is on the minus strand). VCF-style: chr2-61840288-G-A. GRCh37 (hg19) VCF-style: chr2-62067423-G-A.
Other names: c.716C>T, p.Pro239Leu (NM_032180.3); short protein forms P239L.
Identifiers: ClinVar variation 1063204 (VCV001063204.3), dbSNP rs1438804249, ClinGen allele CA346988545.